The following is an entry in ClinVar:

ClinVar aggregate classification (germline): Uncertain significance (1 of 4 stars; one submission).

Conditions:
Leigh syndrome (NULS). Also called: Leigh's necrotizing encephalopathy; Leigh's disease; Leigh Syndrome (mtDNA deletion); Leigh Disease; Subacute necrotizing encephalopathy; Necrotizing encephalopathy infantile subacute of Leigh. Identifiers: Orphanet 506, MedGen C2931891, MONDO:0009723, OMIM 256000.

Submission:

Wong Mito Lab, Molecular and Human Genetics, Baylor College of Medicine
Classification: Uncertain significance for Leigh syndrome. Last evaluated: 2019-10-17. Review status: criteria provided, single submitter. Criteria: Modified ACMG Guidelines (Unpublished). Collection method: clinical testing. Allele origin: germline.
Comment: The NC_012920.1:m.8238T>C (YP_003024029.1:p.Ile218Thr) variant in MTCO2 gene is interpretated to be a Uncertain Significance variant based on the modified ACMG guidelines (unpublished). This variant meets the following evidence codes: PP4, PP6, BP4

NC_012920.1(MT-CO2):m.8238T>C

Gene: MT-CO2 (mitochondrially encoded cytochrome c oxidase II; plus strand).
Variant type: single nucleotide variant.
Genome position: chrM-8238-T-C.
Identifiers: ClinVar variation 692828 (VCV000692828.1), dbSNP rs1603221344, ClinGen allele CA414795635.